The following is an entry in ClinVar:

ClinVar aggregate classification (germline): Pathogenic (1 of 4 stars; one submission).

Conditions:
Duchenne muscular dystrophy (DMD). Also called: MUSCULAR DYSTROPHY, PSEUDOHYPERTROPHIC PROGRESSIVE, DUCHENNE TYPE; Duchenne Muscular Dystrophy (DMD). Identifiers: Orphanet 98896, MedGen C0013264, MONDO:0010679, OMIM 310200.

Submission:

Labcorp Genetics (formerly Invitae), Labcorp
Classification: Pathogenic for Duchenne muscular dystrophy. Last evaluated: 2019-06-20. Review status: criteria provided, single submitter. Criteria: Invitae Variant Classification Sherloc (09022015). Collection method: clinical testing. Allele origin: germline.
Comment: Loss-of-function variants in DMD are known to be pathogenic (PMID: 16770791, 25007885). For these reasons, this variant has been classified as Pathogenic. This variant has not been reported in the literature in individuals with DMD-related conditions. ClinVar contains an entry for this variant (Variation ID: 409913). This variant is not present in population databases (ExAC no frequency). This sequence change creates a premature translational stop signal (p.Val2069Trpfs*4) in the DMD gene. It is expected to result in an absent or disrupted protein product.

Literature cited by the submitters: PubMed 16770791; PubMed 25007885.

NM_004006.3(DMD):c.6205del (p.Val2069fs)

Gene: DMD (dystrophin; minus strand). Cytogenetic location: Xp21.1.
Variant type: Deletion.
Coding change: c.6205del on transcript NM_004006.3 (MANE Select); coding-DNA position 6205, one base deleted (G; older notation c.6205delG).
Protein change: p.Val2069fs; shifts the reading frame from valine 2069.
Molecular consequence: frameshift variant.
Genome position (GRCh38, 1-based): chrX:32,287,614, C deleted on the plus strand (G on the coding strand, the reverse complement: DMD is on the minus strand). VCF-style (leftmost placement, unchanged base first): chrX-32287613-AC-A. GRCh37 (hg19) VCF-style: chrX-32305730-AC-A.
Other names: c.6205delG (NM_004006.2); c.6181del, p.Val2061fs (NM_000109.4); c.6193del, p.Val2065fs (NM_004009.3); c.5836del, p.Val1946fs (NM_004010.3); c.2182del, p.Val728fs (NM_004011.4); c.2173del, p.Val725fs (NM_004012.4); short protein forms V2065fs, V2061fs, V725fs, V728fs, V1946fs, V2069fs.
Identifiers: ClinVar variation 409913 (VCV000409913.9), dbSNP rs1060502640, ClinGen allele CA16616672.